The following is an entry in ClinVar:

NM_002617.4(PEX10):c.526C>T (p.Arg176Trp)

Gene: PEX10 (peroxisomal biogenesis factor 10; minus strand). Cytogenetic location: 1p36.32.
Variant type: single nucleotide variant.
Coding change: c.526C>T on transcript NM_002617.4 (MANE Select); coding-DNA position 526, C replaced by T.
Protein change: p.Arg176Trp; replaces arginine 176 with tryptophan.
Molecular consequence: missense variant. On other transcripts: non-coding transcript variant (1).
Genome position (GRCh38, 1-based): chr1:2,408,526, G>A on the plus strand (C>T on the coding strand, the complement: PEX10 is on the minus strand). VCF-style: chr1-2408526-G-A. GRCh37 (hg19) VCF-style: chr1-2339965-G-A.
Other names: c.526C>T, p.Arg176Trp (NM_001374425.1, NM_153818.2); c.94C>T, p.Arg32Trp (NM_001374426.1, NM_001374427.1); short protein forms R176W, R32W.
Identifiers: ClinVar variation 2157845 (VCV002157845.1), dbSNP rs549271413, ClinGen allele CA538144.
Genomic context (GRCh38, chr1:2,408,526, plus strand): 5'-TGAGCCTCTTGGCCAGGTGGTAGAAGACACCGTGGATGTAAAACCAGGCAACATGTAGCC[G>A]CTGGAGGCAGGCGAGGCCCTGTCTGAGGACGAAGACCGCCCGCAGCAGCGCCCTCCTCTG-3'
Protein context (NP_002608.1, residues 166-186): VLRQGLACLQ[Arg176Trp]LHVAWFYIHG

ClinVar aggregate classification (germline): Uncertain significance (1 of 4 stars; one submission).

Conditions:
Peroxisome biogenesis disorder, complementation group 7 (CG7). Also called: Peroxisome biogenesis disorder, complementation group B. Identifiers: MedGen C1864399.

Allele frequency attached by ClinVar (database versions not stated): ExAC 0.00001; gnomAD exomes 0.00001.
gnomAD v4.1: 19 of 1,612,678 alleles (0.0012%); highest among the groups gnomAD compares: African/African-American, 0.0053%; no homozygotes.

Submission:

Labcorp Genetics (formerly Invitae), Labcorp
Classification: Uncertain significance for Peroxisome biogenesis disorder, complementation group 7. Last evaluated: 2022-08-23. Review status: criteria provided, single submitter. Criteria: Invitae Variant Classification Sherloc (09022015). Collection method: clinical testing. Allele origin: germline.
Comment: This sequence change replaces arginine, which is basic and polar, with tryptophan, which is neutral and slightly polar, at codon 176 of the PEX10 protein (p.Arg176Trp). The frequency data for this variant in the population databases is considered unreliable, as metrics indicate poor data quality at this position in the gnomAD database. This variant has not been reported in the literature in individuals affected with PEX10-related conditions. Algorithms developed to predict the effect of missense changes on protein structure and function are either unavailable or do not agree on the potential impact of this missense change (SIFT: "Deleterious"; PolyPhen-2: "Probably Damaging"; Align-GVGD: "Class C0"). In summary, the available evidence is currently insufficient to determine the role of this variant in disease. Therefore, it has been classified as a Variant of Uncertain Significance.